The following is an entry in ClinVar:

ClinVar aggregate classification (germline): Uncertain significance. Review status: criteria provided, multiple submitters, no conflicts (2 of 4 stars). 4 submissions from 4 submitters: Uncertain significance (4). Last evaluated 2025-08-09.

Conditions:
Intellectual disability. Also called: Intellectual developmental disorder; Intellectual functioning disability; intellectual disabilities. Identifiers: MedGen C3714756, MeSH D008607, MONDO:0001071, HP:0001249.
Intellectual developmental disorder, X-linked, syndromic, Raymond type. Also called: Syndromic X-linked intellectual disability Raymond type. Identifiers: MedGen C3275406, MONDO:0010427, OMIM 300799.
Inborn genetic diseases. Identifiers: MedGen C0950123, MeSH D030342.

Allele frequency attached by ClinVar (database versions not stated): gnomAD exomes 0.00002; gnomAD 0.00003; ExAC 0.00004; TOPMed 0.00005.
gnomAD v4.1: 43 of 1,209,294 alleles (0.0036%); highest among the groups gnomAD compares: Admixed American, 0.0088%; no homozygotes.

Submissions (4):

Labcorp Genetics (formerly Invitae), Labcorp
Classification: Uncertain significance for Intellectual developmental disorder, X-linked, syndromic, Raymond type. Last evaluated: 2025-08-09. Review status: criteria provided, single submitter. Criteria: Invitae Variant Classification Sherloc (09022015). Collection method: clinical testing. Allele origin: germline.
Comment: This sequence change replaces arginine, which is basic and polar, with glutamine, which is neutral and polar, at codon 310 of the ZDHHC9 protein (p.Arg310Gln). This variant is present in population databases (rs753387074, gnomAD 0.008%). This variant has not been reported in the literature in individuals affected with ZDHHC9-related conditions. ClinVar contains an entry for this variant (Variation ID: 575731). Invitae Evidence Modeling of protein sequence and biophysical properties (such as structural, functional, and spatial information, amino acid conservation, physicochemical variation, residue mobility, and thermodynamic stability) indicates that this missense variant is not expected to disrupt ZDHHC9 protein function with a negative predictive value of 80%. In summary, the available evidence is currently insufficient to determine the role of this variant in disease. Therefore, it has been classified as a Variant of Uncertain Significance.

Ambry Genetics
Classification: Uncertain significance for Inborn genetic diseases. Last evaluated: 2024-07-02. Review status: criteria provided, single submitter. Criteria: Ambry Variant Classification Scheme 2023. Collection method: clinical testing. Allele origin: germline.

Revvity Omics, Revvity
Classification: Uncertain significance. Last evaluated: 2021-12-28. Review status: criteria provided, single submitter. Criteria: ACMG Guidelines, 2015. Collection method: clinical testing. Allele origin: germline.

Diagnostic Laboratory, Strasbourg University Hospital
Classification: Uncertain significance for Intellectual disability. Last evaluated: 2020-09-10. Review status: criteria provided, single submitter. Criteria: ACMG Guidelines, 2015. Collection method: clinical testing. Allele origin: maternal. Affected: yes. Observed: 1 hemizygote.

NM_016032.4(ZDHHC9):c.929G>A (p.Arg310Gln)

Gene: ZDHHC9 (zDHHC palmitoyltransferase 9; minus strand). Cytogenetic location: Xq26.1.
Variant type: single nucleotide variant.
Coding change: c.929G>A on transcript NM_016032.4 (MANE Select); coding-DNA position 929, G replaced by A.
Protein change: p.Arg310Gln; replaces arginine 310 with glutamine.
Molecular consequence: missense variant.
Genome position (GRCh38, 1-based): chrX:129,810,954, C>T on the plus strand (G>A on the coding strand, the complement: ZDHHC9 is on the minus strand). VCF-style: chrX-129810954-C-T. GRCh37 (hg19) VCF-style: chrX-128944930-C-T.
Other names: c.929G>A, p.Arg310Gln (NM_001008222.3); short protein forms R310Q.
Identifiers: ClinVar variation 575731 (VCV000575731.13), dbSNP rs753387074, ClinGen allele CA10513443.
Genomic context (GRCh38, chrX:129,810,954, plus strand): 5'-GGAACACTTACTGGGCTCTGTGGCAAGAGGCTGCTACTGGTCTCTTGAGTACTGGGAGGT[C>T]GACTTCCACTTTCCTCCAGTGGCAAAATACCCCTTCGATCCAGCACACTGAAGGAGATAA-3'
Protein context (NP_057116.2, residues 300-320): GILPLEESGS[Arg310Gln]PPSTQETSSS